The following is an entry in ClinVar:

ClinVar aggregate classification (germline): Uncertain significance. Review status: criteria provided, multiple submitters, no conflicts (2 of 4 stars). 8 submissions from 8 submitters: Uncertain significance (6). 2 of the submissions do not count toward it. Last evaluated 2025-12-01.

Conditions:
Hereditary breast ovarian cancer syndrome. Also called: Hereditary breast and ovarian cancer syndrome; Hereditary breast and ovarian cancer; Hereditary breast and ovarian cancer syndrome (HBOC); Breast and ovarian cancer; Hereditary breast and/or ovarian cancer syndrome; BRCA1- and BRCA2-Associated Hereditary Breast and Ovarian Cancer. Identifiers: Orphanet 145, MedGen C0677776, MeSH D061325, MONDO:0003582. Disease mechanism: loss of function.
BRCA2-related cancer predisposition. Identifiers: MedGen CN377758, MONDO:0700269.
Hereditary cancer-predisposing syndrome. Also called: Neoplastic Syndromes, Hereditary; Tumor predisposition; Hereditary neoplastic syndrome; Hereditary Cancer Syndrome. Identifiers: Orphanet 140162, MedGen C0027672, MeSH D009386, MONDO:0015356.
Breast-ovarian cancer, familial, susceptibility to, 2 (BROVCA2). Also called: BRCA2 Hereditary Breast and Ovarian Cancer. Identifiers: Orphanet 145, MedGen C2675520, MONDO:0012933, OMIM 612555. Disease mechanism: loss of function.

gnomAD v4.1: 1 of 1,609,302 alleles (0.000062%); no homozygotes.

Submissions (8):

KCCC/NGS Laboratory, Kuwait Cancer Control Center
Classification: Uncertain significance for Breast-ovarian cancer, familial, susceptibility to, 2. Last evaluated: 2025-12-01. Review status: criteria provided, single submitter. Criteria: ACMG Guidelines, 2015. Collection method: clinical testing. Allele origin: germline. Inheritance: Autosomal dominant inheritance. Affected: yes.
Comment: the available evidence is currently insufficient to determine the role of this variant in disease. Therefore, it has been classified as a Variant of Uncertain Significance. The diagnosis of hereditary cancer syndrome is not confirmed.

Labcorp Genetics (formerly Invitae), Labcorp
Classification: Uncertain significance for Hereditary breast ovarian cancer syndrome. Last evaluated: 2025-09-14. Review status: criteria provided, single submitter. Criteria: Invitae Variant Classification Sherloc (09022015). Collection method: clinical testing. Allele origin: germline.
Comment: This sequence change replaces leucine, which is neutral and non-polar, with serine, which is neutral and polar, at codon 2320 of the BRCA2 protein (p.Leu2320Ser). This variant is not present in population databases (gnomAD no frequency). This missense change has been observed in individual(s) with clinical features of BRCA2-related conditions (PMID: 21520333). ClinVar contains an entry for this variant (Variation ID: 52227). Invitae Evidence Modeling of protein sequence and biophysical properties (such as structural, functional, and spatial information, amino acid conservation, physicochemical variation, residue mobility, and thermodynamic stability) indicates that this missense variant is not expected to disrupt BRCA2 protein function with a negative predictive value of 95%. In summary, the available evidence is currently insufficient to determine the role of this variant in disease. Therefore, it has been classified as a Variant of Uncertain Significance.

Ambry Genetics
Classification: Uncertain significance for Hereditary cancer-predisposing syndrome. Last evaluated: 2025-01-27. Review status: criteria provided, single submitter. Criteria: Ambry Variant Classification Scheme 2023. Collection method: clinical testing. Allele origin: germline.
Comment: The p.L2320S variant (also known as c.6959T>C), located in coding exon 12 of the BRCA2 gene, results from a T to C substitution at nucleotide position 6959. The leucine at codon 2320 is replaced by serine, an amino acid with dissimilar properties. This amino acid position is not well conserved in available vertebrate species. In addition, the in silico prediction for this alteration is inconclusive. Since supporting evidence is limited at this time, the clinical significance of this alteration remains unclear.

All of Us Research Program, National Institutes of Health
Classification: Uncertain significance for BRCA2-related cancer predisposition. Last evaluated: 2024-03-05. Review status: criteria provided, single submitter. Criteria: ACMG Guidelines, 2015. Collection method: clinical testing. Allele origin: germline. Inheritance: Autosomal dominant inheritance. Observed: 1 variant allele, 1 heterozygote.
Comment: This study involves interpretation of variants in research participants for the purpose of population health screening. Participant phenotype was not available at the time of variant classification. Additional details can be found in publication PMID: 35346344, PMCID: PMC8962531

Women's Health and Genetics/Laboratory Corporation of America, LabCorp
Classification: Uncertain significance. Last evaluated: 2020-07-13. Review status: criteria provided, single submitter. Criteria: LabCorp Variant Classification Summary - May 2015. Collection method: clinical testing. Allele origin: germline.
Comment: Variant summary: BRCA2 c.6959T>C (p.Leu2320Ser) results in a non-conservative amino acid change in the encoded protein sequence. Three of five in-silico tools predict a damaging effect of the variant on protein function. The variant was absent in 249948 control chromosomes. The available data on variant occurrences in the general population are insufficient to allow any conclusion about variant significance. To our knowledge, no occurrence of c.6959T>C in individuals affected with Hereditary Breast And Ovarian Cancer Syndrome and no experimental evidence demonstrating its impact on protein function have been reported. Three clinical diagnostic laboratories have submitted clinical-significance assessments for this variant to ClinVar after 2014 without evidence for independent evaluation. All laboratories classified the variant as uncertain significance. Based on the evidence outlined above, the variant was classified as uncertain significance.

Color Diagnostics, LLC DBA Color Health
Classification: Uncertain significance for Hereditary cancer-predisposing syndrome. Last evaluated: 2019-06-11. Review status: criteria provided, single submitter. Criteria: ACMG Guidelines, 2015. Collection method: clinical testing. Allele origin: germline.

Counsyl
Classification: Uncertain significance for Breast-ovarian cancer, familial, susceptibility to, 2. Last evaluated: 2017-03-22. Review status: no assertion criteria provided. Collection method: clinical testing. Allele origin: unknown. Not counted in ClinVar's aggregate classification.

Breast Cancer Information Core (BIC) (BRCA2)
Classification: Uncertain significance for Breast-ovarian cancer, familial 2. Last evaluated: 2004-02-20. Review status: no assertion criteria provided. Collection method: clinical testing. Allele origin: germline. Affected: yes. Observed: 1 variant allele. Not counted in ClinVar's aggregate classification.

Literature cited by the submitters: PubMed 21520333 (cited by Labcorp Genetics (formerly Invitae), Labcorp).

NM_000059.4(BRCA2):c.6959T>C (p.Leu2320Ser)

Gene: BRCA2 (BRCA2 DNA repair associated; plus strand). Cytogenetic location: 13q13.1.
Variant type: single nucleotide variant.
Coding change: c.6959T>C on transcript NM_000059.4 (MANE Select); coding-DNA position 6959, T replaced by C.
Protein change: p.Leu2320Ser; replaces leucine 2320 with serine.
Molecular consequence: missense variant.
Genome position (GRCh38, 1-based): chr13:32,346,848, T>C. VCF-style: chr13-32346848-T-C. GRCh37 (hg19) VCF-style: chr13-32920985-T-C.
Other names: short protein forms L2320S.
Identifiers: ClinVar variation 52227 (VCV000052227.21), dbSNP rs80358923, ClinGen allele CA024639.